The following is an entry in ClinVar:

NM_000051.4(ATM):c.3284+1del

Gene: ATM (ATM serine/threonine kinase; plus strand). Cytogenetic location: 11q22.3.
Variant type: Deletion.
Coding change: c.3284+1del on transcript NM_000051.4 (MANE Select); the canonical splice donor site of the intron after coding-DNA position 3284, one base deleted (G; older notation c.3284+1delG).
Molecular consequence: splice donor variant.
Genome position (GRCh38, 1-based): chr11:108,272,853, G deleted; the last of 2 consecutive G bases (chr11:108,272,852-108,272,853); deleting either gives the same sequence. VCF-style (leftmost placement, unchanged base first): chr11-108272851-AG-A. GRCh37 (hg19) VCF-style: chr11-108143578-AG-A.
Other names: c.3284+1del (NM_001351834.2).
Identifiers: ClinVar variation 2045816 (VCV002045816.4), dbSNP rs2546834702, ClinGen allele CA2580083569.

ClinVar aggregate classification (germline): Pathogenic (1 of 4 stars; one submission).

Conditions:
Ataxia-telangiectasia syndrome (AT). Also called: LOUIS-BAR SYNDROME; AT, COMPLEMENTATION GROUP C; Ataxia-telangiectasia, complementation group E; Ataxia telangiectasia (A-T); ATAXIA-TELANGIECTASIA, COMPLEMENTATION GROUP A; ATAXIA-TELANGIECTASIA, FRESNO VARIANT. Identifiers: Orphanet 100, MedGen C0004135, MONDO:0008840, OMIM 208900.

Submission:

Labcorp Genetics (formerly Invitae), Labcorp
Classification: Pathogenic for Ataxia-telangiectasia syndrome. Last evaluated: 2021-12-18. Review status: criteria provided, single submitter. Criteria: Invitae Variant Classification Sherloc (09022015). Collection method: clinical testing. Allele origin: germline.
Comment: This variant has not been reported in the literature in individuals affected with ATM-related conditions. For these reasons, this variant has been classified as Pathogenic. Algorithms developed to predict the effect of sequence changes on RNA splicing suggest that this variant may disrupt the consensus splice site. This variant is also known as c.3284+1del. This variant is not present in population databases (gnomAD no frequency). This sequence change creates a premature translational stop signal (p.Arg1095Asnfs*14) in the ATM gene. It is expected to result in an absent or disrupted protein product. Loss-of-function variants in ATM are known to be pathogenic (PMID: 23807571, 25614872).

Literature cited by the submitters: PubMed 23807571; PubMed 25614872.